The following is an entry in ClinVar:

ClinVar aggregate classification (germline): Uncertain significance (1 of 4 stars; one submission).

Conditions:
Fanconi anemia complementation group O. Also called: RAD51C-Related Fanconi Anemia. Identifiers: Orphanet 84, MedGen C3150653, MONDO:0013248, OMIM 613390.

Submission:

Labcorp Genetics (formerly Invitae), Labcorp
Classification: Uncertain significance for Fanconi anemia complementation group O. Last evaluated: 2025-07-07. Review status: criteria provided, single submitter. Criteria: Invitae Variant Classification Sherloc (09022015). Collection method: clinical testing. Allele origin: germline.
Comment: This sequence change replaces leucine, which is neutral and non-polar, with valine, which is neutral and non-polar, at codon 111 of the RAD51C protein (p.Leu111Val). This variant is not present in population databases (gnomAD no frequency). This variant has not been reported in the literature in individuals affected with RAD51C-related conditions. ClinVar contains an entry for this variant (Variation ID: 1353154). Invitae Evidence Modeling of protein sequence and biophysical properties (such as structural, functional, and spatial information, amino acid conservation, physicochemical variation, residue mobility, and thermodynamic stability) indicates that this missense variant is expected to disrupt RAD51C protein function with a positive predictive value of 80%. In summary, the available evidence is currently insufficient to determine the role of this variant in disease. Therefore, it has been classified as a Variant of Uncertain Significance.

NM_058216.3(RAD51C):c.331C>G (p.Leu111Val)

Gene: RAD51C (RAD51 paralog C; plus strand). Cytogenetic location: 17q22.
Variant type: single nucleotide variant.
Coding change: c.331C>G on transcript NM_058216.3 (MANE Select); coding-DNA position 331, C replaced by G.
Protein change: p.Leu111Val; replaces leucine 111 with valine.
Molecular consequence: missense variant. On other transcripts: non-coding transcript variant (2).
Genome position (GRCh38, 1-based): chr17:58,695,116, C>G. VCF-style: chr17-58695116-C-G. GRCh37 (hg19) VCF-style: chr17-56772477-C-G.
Other names: c.331C>G, p.Leu111Val (NM_002876.4); short protein forms L111V.
Identifiers: ClinVar variation 1353154 (VCV001353154.6), dbSNP rs1402638488, ClinGen allele CA400341354.